The following is an entry in ClinVar:

NM_007103.4(NDUFV1):c.322G>C (p.Gly108Arg)

Gene: NDUFV1 (NADH:ubiquinone oxidoreductase core subunit V1; plus strand). Cytogenetic location: 11q13.2.
Variant type: single nucleotide variant.
Coding change: c.322G>C on transcript NM_007103.4 (MANE Select); coding-DNA position 322, G replaced by C.
Protein change: p.Gly108Arg; replaces glycine 108 with arginine.
Molecular consequence: missense variant.
Genome position (GRCh38, 1-based): chr11:67,608,718, G>C. VCF-style: chr11-67608718-G-C. GRCh37 (hg19) VCF-style: chr11-67376189-G-C.
Other names: c.295G>C, p.Gly99Arg (NM_001166102.2); short protein forms G108R, G99R.
Identifiers: ClinVar variation 1993623 (VCV001993623.4), dbSNP rs767242622, ClinGen allele CA381534099.

ClinVar aggregate classification (germline): Uncertain significance (1 of 4 stars; one submission).

Submission:

Labcorp Genetics (formerly Invitae), Labcorp
Classification: Uncertain significance. Last evaluated: 2022-03-10. Review status: criteria provided, single submitter. Criteria: Invitae Variant Classification Sherloc (09022015). Collection method: clinical testing. Allele origin: germline.
Comment: This variant is not present in population databases (gnomAD no frequency). In summary, the available evidence is currently insufficient to determine the role of this variant in disease. Therefore, it has been classified as a Variant of Uncertain Significance. Advanced modeling of protein sequence and biophysical properties (such as structural, functional, and spatial information, amino acid conservation, physicochemical variation, residue mobility, and thermodynamic stability) performed at Invitae indicates that this missense variant is expected to disrupt NDUFV1 protein function. This variant has not been reported in the literature in individuals affected with NDUFV1-related conditions. This sequence change replaces glycine, which is neutral and non-polar, with arginine, which is basic and polar, at codon 108 of the NDUFV1 protein (p.Gly108Arg).